The following is an entry in ClinVar:

ClinVar aggregate classification (germline): Uncertain significance. Review status: criteria provided, multiple submitters, no conflicts (2 of 4 stars). 2 submissions from 2 submitters: Uncertain significance (2). Last evaluated 2022-04-07.

Allele frequency attached by ClinVar (database versions not stated): gnomAD exomes below 0.00001; ExAC 0.00001.
gnomAD v4.1: 3 of 1,614,148 alleles (0.00019%); highest among the groups gnomAD compares: South Asian, 0.0022%; no homozygotes.

Submissions (2):

GeneDx
Classification: Uncertain significance. Last evaluated: 2022-04-07. Review status: criteria provided, single submitter. Criteria: GeneDx Variant Classification Process June 2021. Collection method: clinical testing. Allele origin: germline. Affected: yes.
Comment: In silico analysis supports that this missense variant has a deleterious effect on protein structure/function; Has not been previously published as pathogenic or benign to our knowledge

Labcorp Genetics (formerly Invitae), Labcorp
Classification: Uncertain significance. Last evaluated: 2022-02-04. Review status: criteria provided, single submitter. Criteria: Invitae Variant Classification Sherloc (09022015). Collection method: clinical testing. Allele origin: germline.
Comment: This variant is present in population databases (rs761594098, gnomAD 0.01%). In summary, the available evidence is currently insufficient to determine the role of this variant in disease. Therefore, it has been classified as a Variant of Uncertain Significance. Algorithms developed to predict the effect of missense changes on protein structure and function (SIFT, PolyPhen-2, Align-GVGD) all suggest that this variant is likely to be tolerated. This variant has not been reported in the literature in individuals affected with SCN3A-related conditions. This sequence change replaces asparagine, which is neutral and polar, with serine, which is neutral and polar, at codon 927 of the SCN3A protein (p.Asn927Ser).

NM_006922.4(SCN3A):c.2780A>G (p.Asn927Ser)

Gene: SCN3A (sodium voltage-gated channel alpha subunit 3; minus strand). Cytogenetic location: 2q24.3.
Variant type: single nucleotide variant.
Coding change: c.2780A>G on transcript NM_006922.4 (MANE Select); coding-DNA position 2780, A replaced by G.
Protein change: p.Asn927Ser; replaces asparagine 927 with serine.
Molecular consequence: missense variant.
Genome position (GRCh38, 1-based): chr2:165,130,082, T>C on the plus strand (A>G on the coding strand, the complement: SCN3A is on the minus strand). VCF-style: chr2-165130082-T-C. GRCh37 (hg19) VCF-style: chr2-165986592-T-C.
Other names: c.2633A>G, p.Asn878Ser (NM_001081676.2, NM_001081677.2); short protein forms N878S, N927S.
Identifiers: ClinVar variation 1708800 (VCV001708800.6), dbSNP rs761594098, ClinGen allele CA1938901.
Genomic context (GRCh38, chr2:165,130,082, plus strand): 5'-GTCTCTATCCACTCTCCACACAGCACGCGGAACACAATCAGGAAGGAGTGGAAGAAGTCG[T>C]TCATGTGCCACCGTGGGAGCGTACAGTCATCATTGATCTTGCAGACACATTCTTTGTAGC-3'
Protein context (NP_008853.3, residues 917-937): DDCTLPRWHM[Asn927Ser]DFFHSFLIVF